The following is an entry in ClinVar:

ClinVar aggregate classification (germline): Benign. Review status: criteria provided, multiple submitters, no conflicts (2 of 4 stars). 5 submissions from 5 submitters: Benign (5). Last evaluated 2026-08-01.

Allele frequency attached by ClinVar (database versions not stated): ExAC 0.00472; gnomAD exomes 0.00516 and 0.00694; 1000 Genomes Project 0.00739; 1000 Genomes Project 30x 0.00750; gnomAD 0.00823 and 0.00870; TOPMed 0.00887; ESP Exome Variant Server 0.01038.
gnomAD v4.1: 11,380 of 1,614,262 alleles (0.7%); highest among the groups gnomAD compares: African/African-American, 1.5%; 62 homozygotes.

Submissions (5):

CeGaT Center for Human Genetics Tuebingen
Classification: Benign. Last evaluated: 2026-08-01. Review status: criteria provided, single submitter. Criteria: CeGaT Center For Human Genetics Tuebingen Variant Classification Criteria Version 2. Collection method: clinical testing. Allele origin: germline. Affected: yes. Observed: 8 variant alleles.
Comment: TRIP4: BP4, BP7, BS1, BS2

Labcorp Genetics (formerly Invitae), Labcorp
Classification: Benign. Last evaluated: 2026-02-01. Review status: criteria provided, single submitter. Criteria: Invitae Variant Classification Sherloc (09022015). Collection method: clinical testing. Allele origin: germline.

Mayo Clinic Laboratories, Mayo Clinic
Classification: Benign. Last evaluated: 2023-04-28. Review status: criteria provided, single submitter. Criteria: ACMG Guidelines, 2015. Collection method: clinical testing. Allele origin: germline. Observed: 2 variant alleles.
Comment: BS1, BS2, BP4, BP7

GeneDx
Classification: Benign. Last evaluated: 2019-09-09. Review status: criteria provided, single submitter. Criteria: GeneDx Variant Classification Process June 2021. Collection method: clinical testing. Allele origin: germline. Affected: yes.

Breakthrough Genomics
Classification: Benign. Review status: criteria provided, single submitter. Criteria: ACMG Guidelines, 2015. Collection method: not provided. Allele origin: germline. Inheritance: Autosomal recessive inheritance. Affected: yes.

NM_016213.5(TRIP4):c.582A>G (p.Gln194=)

Gene: TRIP4 (thyroid hormone receptor interactor 4; plus strand). Cytogenetic location: 15q22.31.
Variant type: single nucleotide variant.
Coding change: c.582A>G on transcript NM_016213.5 (MANE Select); coding-DNA position 582, A replaced by G.
Protein change: p.Gln194=; no amino-acid change (glutamine 194 retained).
Molecular consequence: synonymous variant. On other transcripts: 5 prime UTR variant (1), non-coding transcript variant (1).
Genome position (GRCh38, 1-based): chr15:64,397,782, A>G. VCF-style: chr15-64397782-A-G. GRCh37 (hg19) VCF-style: chr15-64689981-A-G.
Other names: p.Gln194=; c.-109A>G (NM_001321924.2).
Identifiers: ClinVar variation 779161 (VCV000779161.36), dbSNP rs35103547, ClinGen allele CA7609402.